The following is an entry in ClinVar:

ClinVar aggregate classification (germline): Uncertain significance. Review status: criteria provided, multiple submitters, no conflicts (2 of 4 stars). 2 submissions from 2 submitters: Uncertain significance (2). Last evaluated 2024-10-05.

Conditions:
Neutropenia, severe congenital, 2, autosomal dominant. Identifiers: Orphanet 486, MedGen C2751288, MONDO:0013139, OMIM 613107.

Allele frequency attached by ClinVar (database versions not stated): ExAC 0.00001; ESP Exome Variant Server 0.00008.
gnomAD v4.1: 5 of 1,609,932 alleles (0.00031%); highest among the groups gnomAD compares: Non-Finnish European, 0.00042%; no homozygotes.

Submissions (2):

Ambry Genetics
Classification: Uncertain significance. Last evaluated: 2024-10-05. Review status: criteria provided, single submitter. Criteria: Ambry Variant Classification Scheme 2023. Collection method: clinical testing. Allele origin: germline.
Comment: The p.A128G variant (also known as c.383C>G), located in coding exon 3 of the GFI1 gene, results from a C to G substitution at nucleotide position 383. The alanine at codon 128 is replaced by glycine, an amino acid with similar properties. This amino acid position is conserved. In addition, this alteration is predicted to be tolerated by in silico analysis. Based on the available evidence, the clinical significance of this variant remains unclear.

Labcorp Genetics (formerly Invitae), Labcorp
Classification: Uncertain significance for Neutropenia, severe congenital, 2, autosomal dominant. Last evaluated: 2024-04-05. Review status: criteria provided, single submitter. Criteria: Invitae Variant Classification Sherloc (09022015). Collection method: clinical testing. Allele origin: germline.
Comment: This sequence change replaces alanine, which is neutral and non-polar, with glycine, which is neutral and non-polar, at codon 128 of the GFI1 protein (p.Ala128Gly). This variant is present in population databases (rs371451553, gnomAD 0.001%). This variant has not been reported in the literature in individuals affected with GFI1-related conditions. ClinVar contains an entry for this variant (Variation ID: 1925455). Advanced modeling of protein sequence and biophysical properties (such as structural, functional, and spatial information, amino acid conservation, physicochemical variation, residue mobility, and thermodynamic stability) performed at Invitae indicates that this missense variant is not expected to disrupt GFI1 protein function with a negative predictive value of 80%. In summary, the available evidence is currently insufficient to determine the role of this variant in disease. Therefore, it has been classified as a Variant of Uncertain Significance.

NM_005263.5(GFI1):c.383C>G (p.Ala128Gly)

Gene: GFI1 (growth factor independent 1 transcriptional repressor; minus strand). Cytogenetic location: 1p22.1.
Variant type: single nucleotide variant.
Coding change: c.383C>G on transcript NM_005263.5 (MANE Select); coding-DNA position 383, C replaced by G.
Protein change: p.Ala128Gly; replaces alanine 128 with glycine.
Molecular consequence: missense variant.
Genome position (GRCh38, 1-based): chr1:92,481,004, G>C on the plus strand (C>G on the coding strand, the complement: GFI1 is on the minus strand). VCF-style: chr1-92481004-G-C. GRCh37 (hg19) VCF-style: chr1-92946561-G-C.
Other names: c.383C>G, p.Ala128Gly (NM_001127215.3, NM_001127216.3); short protein forms A128G.
Identifiers: ClinVar variation 1925455 (VCV001925455.6), dbSNP rs371451553, ClinGen allele CA951399.
Genomic context (GRCh38, chr1:92,481,004, plus strand): 5'-CCACGCTCCAGGGCCCCACACGGTCGGTAGCTCTGCACCAGGTGCCGCAGGTCAGAACCC[G>C]CCAGGCCGCTCCATGAGTACGGTTTGAAAGGCAGGGGGAAGGGCTGGGCTTCGTCCAGCG-3'
Protein context (NP_005254.2, residues 118-138): PFKPYSWSGL[Ala128Gly]GSDLRHLVQS